The following is an entry in ClinVar:

ClinVar aggregate classification (germline): Likely pathogenic (1 of 4 stars; one submission).

Conditions:
Dilated cardiomyopathy 1G (CMD1G). Identifiers: Orphanet 154, MedGen C1858763, MONDO:0011400, OMIM 604145.
Autosomal recessive limb-girdle muscular dystrophy type 2J (LGMDR10). Also called: Limb-girdle muscular dystrophy, type 2J; MUSCULAR DYSTROPHY, LIMB-GIRDLE, AUTOSOMAL RECESSIVE 10. Identifiers: Orphanet 140922, MedGen C1837342, MONDO:0012127, OMIM 608807.

Submission:

Labcorp Genetics (formerly Invitae), Labcorp
Classification: Likely pathogenic for Dilated cardiomyopathy 1G; Autosomal recessive limb-girdle muscular dystrophy type 2J. Last evaluated: 2024-10-18. Review status: criteria provided, single submitter. Criteria: Invitae Variant Classification Sherloc (09022015). Collection method: clinical testing. Allele origin: germline.
Comment: This sequence change creates a premature translational stop signal (p.Asp9460Alafs*13) in the TTN gene. While this is not anticipated to result in nonsense mediated decay, it is expected to create a truncated TTN protein. This variant is not present in population databases (gnomAD no frequency). This variant has not been reported in the literature in individuals affected with TTN-related conditions. This variant is located in the I band of TTN (PMID: 25589632). Truncating variants in this region have been reported in individuals affected with autosomal recessive centronuclear myopathy (PMID: 23975875, internal data). Truncating variants in this region have also been identified in individuals affected with autosomal dominant dilated cardiomyopathy and/or cardio-related conditions (PMID: 27869827, 32964742, internal data). In summary, the currently available evidence indicates that the variant is pathogenic, but additional data are needed to prove that conclusively. Therefore, this variant has been classified as Likely Pathogenic.

Literature cited by the submitters: PubMed 25589632; PubMed 23975875; PubMed 27869827; PubMed 32964742.

NM_001267550.2(TTN):c.28379del (p.Asp9460fs)

Gene: TTN (titin; minus strand). Cytogenetic location: 2q31.2.
Variant type: Deletion.
Coding change: c.28379del on transcript NM_001267550.2 (MANE Select); coding-DNA position 28379, one base deleted (A; older notation c.28379delA).
Protein change: p.Asp9460fs; shifts the reading frame from aspartic acid 9460.
Molecular consequence: frameshift variant. On other transcripts: intron variant (3).
Genome position (GRCh38, 1-based): chr2:178,710,718, T deleted on the plus strand (A on the coding strand, the reverse complement: TTN is on the minus strand). VCF-style (leftmost placement, unchanged base first): chr2-178710717-GT-G. GRCh37 (hg19) VCF-style: chr2-179575444-GT-G.
Other names: c.27428del, p.Asp9143fs (NM_001256850.1); c.24647del, p.Asp8216fs (NM_133378.4); c.13282+27364del (NM_003319.4); c.13858+27364del (NM_133437.4); c.13657+27364del (NM_133432.3); short protein forms D9143fs, D9460fs, D8216fs.
Identifiers: ClinVar variation 2947578 (VCV002947578.3), dbSNP rs2528777422, ClinGen allele CA2740096247.